The following is an entry in ClinVar:

ClinVar aggregate classification (germline): Uncertain significance (1 of 4 stars; one submission).

Conditions:
Familial isolated arrhythmogenic right ventricular dysplasia. Identifiers: Orphanet 217656, MedGen C4274968, MONDO:0016342.

Submission:

All of Us Research Program, National Institutes of Health
Classification: Uncertain significance for Familial isolated arrhythmogenic right ventricular dysplasia. Last evaluated: 2023-11-02. Review status: criteria provided, single submitter. Criteria: ACMG Guidelines, 2015. Collection method: clinical testing. Allele origin: germline. Inheritance: Autosomal dominant inheritance. Observed: 1 variant allele, 1 heterozygote.
Comment: This variant causes a C to A nucleotide substitution at the -12 position of intron 10 of the DSC2 gene. To our knowledge, functional studies have not been reported for this variant. This variant has not been reported in individuals affected with cardiovascular disorders in the literature. This variant has not been identified in the general population by the Genome Aggregation Database (gnomAD). The available evidence is insufficient to determine the role of this variant in disease conclusively. Therefore, this variant is classified as a Variant of Uncertain Significance.

This study involves interpretation of variants in research participants for the purpose of population health screening. Participant phenotype was not available at the time of variant classification. Additional details can be found in publication PMID: 35346344, PMCID: PMC8962531

NM_024422.6(DSC2):c.1521-12C>A

Gene: DSC2 (desmocollin 2; minus strand). Cytogenetic location: 18q12.1.
Variant type: single nucleotide variant.
Coding change: c.1521-12C>A on transcript NM_024422.6 (MANE Select); 12 bases into the intron before coding-DNA position 1521, C replaced by A.
Molecular consequence: intron variant.
Genome position (GRCh38, 1-based): chr18:31,080,001, G>T on the plus strand (C>A on the coding strand, the complement: DSC2 is on the minus strand). VCF-style: chr18-31080001-G-T. GRCh37 (hg19) VCF-style: chr18-28659967-G-T.
Other names: c.1521-12C>A (NM_004949.5); c.1092-12C>A (NM_001406506.1, NM_001406507.1).
Identifiers: ClinVar variation 3074210 (VCV003074210.1), dbSNP rs2510946737, ClinGen allele CA2825002672.